The following is an entry in ClinVar:

ClinVar aggregate classification (germline): Uncertain significance. Review status: criteria provided, multiple submitters, no conflicts (2 of 4 stars). 2 submissions from 2 submitters: Uncertain significance (2). Last evaluated 2026-09-12.

Conditions:
GLI2-related disorder. Also called: GLI2-related condition; GLI2-related disorders.
Inborn genetic diseases. Identifiers: MedGen C0950123, MeSH D030342.

gnomAD v4.1: 2 of 1,613,936 alleles (0.00012%); highest among the groups gnomAD compares: African/African-American, 0.0027%; no homozygotes.

Submissions (2):

PreventionGenetics, part of Exact Sciences
Classification: Uncertain significance for GLI2-related condition. Last evaluated: 2026-09-12. Review status: criteria provided, single submitter. Criteria: ACMG Guidelines, 2015. Collection method: clinical testing. Allele origin: germline.
Comment: The GLI2 c.20C>T variant is predicted to result in the amino acid substitution p.Ala7Val. To our knowledge, this variant has not been reported in the literature or in a large population database (gnomAD), indicating this variant is rare. At this time, the clinical significance of this variant is uncertain due to the absence of conclusive functional and genetic evidence.

Ambry Genetics
Classification: Uncertain significance for Inborn genetic diseases. Last evaluated: 2024-07-14. Review status: criteria provided, single submitter. Criteria: Ambry Variant Classification Scheme 2023. Collection method: clinical testing. Allele origin: germline.

NM_001374353.1(GLI2):c.20C>T (p.Ala7Val)

Gene: GLI2 (GLI family zinc finger 2; plus strand). Cytogenetic location: 2q14.2.
Variant type: single nucleotide variant.
Coding change: c.20C>T on transcript NM_001374353.1 (MANE Select); coding-DNA position 20, C replaced by T.
Protein change: p.Ala7Val; replaces alanine 7 with valine.
Molecular consequence: missense variant. On other transcripts: 5 prime UTR variant (1).
Genome position (GRCh38, 1-based): chr2:120,797,340, C>T. VCF-style: chr2-120797340-C-T. GRCh37 (hg19) VCF-style: chr2-121554916-C-T.
Other names: c.20C>T, p.Ala7Val (NM_001371271.1, NM_005270.5); c.-250C>T (NM_001374354.1); short protein forms A7V.
Identifiers: ClinVar variation 3520501 (VCV003520501.2).